The following is an entry in ClinVar:

ClinVar aggregate classification (germline): Uncertain significance. Review status: criteria provided, multiple submitters, no conflicts (2 of 4 stars). 3 submissions from 3 submitters: Uncertain significance (3). Last evaluated 2024-03-19.

Conditions:
Inborn genetic diseases. Identifiers: MedGen C0950123, MeSH D030342.
Autosomal dominant polycystic kidney disease. Identifiers: Orphanet 730, MedGen C0085413, MONDO:0004691.
Polycystic kidney disease 2 (PKD2). Also called: Polycystic Kidney Disease 2, Autosomal Dominant; POLYCYSTIC KIDNEY DISEASE, ADULT, TYPE II; POLYCYSTIC KIDNEY DISEASE 2 WITH OR WITHOUT POLYCYSTIC LIVER DISEASE. Identifiers: MedGen C2751306, MONDO:0013131, OMIM 613095.

Allele frequency attached by ClinVar (database versions not stated): TOPMed below 0.00001; gnomAD 0.00001.
gnomAD v4.1: 5 of 1,216,992 alleles (0.00041%); highest among the groups gnomAD compares: Non-Finnish European, 0.00054%; no homozygotes.

Submissions (3):

Fulgent Genetics
Classification: Uncertain significance for Polycystic kidney disease 2. Last evaluated: 2024-03-19. Review status: criteria provided, single submitter. Criteria: ACMG Guidelines, 2015. Collection method: clinical testing. Allele origin: germline.

Ambry Genetics
Classification: Uncertain significance for Inborn genetic diseases. Last evaluated: 2023-01-24. Review status: criteria provided, single submitter. Criteria: Ambry Variant Classification Scheme 2023. Collection method: clinical testing. Allele origin: germline.

Labcorp Genetics (formerly Invitae), Labcorp
Classification: Uncertain significance for Autosomal dominant polycystic kidney disease. Last evaluated: 2022-11-26. Review status: criteria provided, single submitter. Criteria: Invitae Variant Classification Sherloc (09022015). Collection method: clinical testing. Allele origin: germline.
Comment: This sequence change replaces glutamic acid, which is acidic and polar, with lysine, which is basic and polar, at codon 97 of the PKD2 protein (p.Glu97Lys). This variant is not present in population databases (gnomAD no frequency). This variant has not been reported in the literature in individuals affected with PKD2-related conditions. Algorithms developed to predict the effect of missense changes on protein structure and function (SIFT, PolyPhen-2, Align-GVGD) all suggest that this variant is likely to be tolerated. In summary, the available evidence is currently insufficient to determine the role of this variant in disease. Therefore, it has been classified as a Variant of Uncertain Significance.

NM_000297.4(PKD2):c.289G>A (p.Glu97Lys)

Genes: PKD2 (polycystin 2, transient receptor potential cation channel; plus strand), LOC129992813 (ATAC-STARR-seq lymphoblastoid silent region 15559; plus strand). Cytogenetic location: 4q22.1.
Variant type: single nucleotide variant.
Coding change: c.289G>A on transcript NM_000297.4 (MANE Select); coding-DNA position 289, G replaced by A.
Protein change: p.Glu97Lys; replaces glutamic acid 97 with lysine.
Molecular consequence: missense variant. On other transcripts: non-coding transcript variant (1).
Genome position (GRCh38, 1-based): chr4:88,008,022, G>A. VCF-style: chr4-88008022-G-A. GRCh37 (hg19) VCF-style: chr4-88929174-G-A.
Other names: short protein forms E97K.
Identifiers: ClinVar variation 2465688 (VCV002465688.6), dbSNP rs1578111365, ClinGen allele CA357626041.
Genomic context (GRCh38, chr4:88,008,022, plus strand): 5'-CCTCCGCTCTCGTCGTGCTCCCGGCAGGCGTGGAGCCGCGATAACCCCGGCTTCGAGGCC[G>A]AGGAGGAGGAGGAGGAGGTGGAAGGGGAAGAAGGCGGAATGGTGGTGGAGATGGACGTAG-3'
Protein context (NP_000288.1, residues 87-107): WSRDNPGFEA[Glu97Lys]EEEEEVEGEE